The following is an entry in ClinVar:

NM_000399.5(EGR2):c.953G>A (p.Arg318Gln)

Gene: EGR2 (early growth response 2; minus strand). Cytogenetic location: 10q21.3.
Variant type: single nucleotide variant.
Coding change: c.953G>A on transcript NM_000399.5 (MANE Select); coding-DNA position 953, G replaced by A.
Protein change: p.Arg318Gln; replaces arginine 318 with glutamine.
Molecular consequence: missense variant.
Genome position (GRCh38, 1-based): chr10:62,813,685, C>T on the plus strand (G>A on the coding strand, the complement: EGR2 is on the minus strand). VCF-style: chr10-62813685-C-T. GRCh37 (hg19) VCF-style: chr10-64573445-C-T.
Other names: c.803G>A, p.Arg268Gln (NM_001321037.2, NM_001136179.3); c.992G>A, p.Arg331Gln (NM_001410931.1); c.953G>A, p.Arg318Gln (NM_001136177.3, NM_001136178.2); short protein forms R268Q, R318Q, R331Q.
Identifiers: ClinVar variation 3719281 (VCV003719281.2).

ClinVar aggregate classification (germline): Uncertain significance (1 of 4 stars; one submission).

Conditions:
Charcot-Marie-Tooth disease, type I (CMT1). Also called: Charcot-Marie-Tooth disease type 1; Charcot-Marie-Tooth, Type 1. Identifiers: Orphanet 65753, MedGen C0751036, MONDO:0019011.

Submission:

Labcorp Genetics (formerly Invitae), Labcorp
Classification: Uncertain significance for Charcot-Marie-Tooth disease, type I. Last evaluated: 2024-07-04. Review status: criteria provided, single submitter. Criteria: Invitae Variant Classification Sherloc (09022015). Collection method: clinical testing. Allele origin: germline.
Comment: This sequence change replaces arginine, which is basic and polar, with glutamine, which is neutral and polar, at codon 318 of the EGR2 protein (p.Arg318Gln). This variant is not present in population databases (gnomAD no frequency). This variant has not been reported in the literature in individuals affected with EGR2-related conditions. Advanced modeling of protein sequence and biophysical properties (such as structural, functional, and spatial information, amino acid conservation, physicochemical variation, residue mobility, and thermodynamic stability) has been performed at Invitae for this missense variant, however the output from this modeling did not meet the statistical confidence thresholds required to predict the impact of this variant on EGR2 protein function. In summary, the available evidence is currently insufficient to determine the role of this variant in disease. Therefore, it has been classified as a Variant of Uncertain Significance.